The following is an entry in ClinVar:

NM_001379500.1(COL18A1):c.2717C>T (p.Ala906Val)

Genes: COL18A1 (collagen type XVIII alpha 1 chain; plus strand), SLC19A1 (solute carrier family 19 member 1; minus strand). Cytogenetic location: 21q22.3.
Variant type: single nucleotide variant.
Coding change: c.2717C>T on transcript NM_001379500.1 (MANE Select); coding-DNA position 2717, C replaced by T.
Protein change: p.Ala906Val; replaces alanine 906 with valine.
Molecular consequence: missense variant.
Genome position (GRCh38, 1-based): chr21:45,504,044, C>T. VCF-style: chr21-45504044-C-T. GRCh37 (hg19) VCF-style: chr21-46923958-C-T.
Other names: NM_130445.2:c.2717C>T; c.3257C>T, p.Ala1086Val (NM_030582.4); c.3962C>T, p.Ala1321Val (NM_130444.3); short protein forms A1321V, A1086V, A906V.
Identifiers: ClinVar variation 1378453 (VCV001378453.4), dbSNP rs752396390, ClinGen allele CA10067399.
Genomic context (GRCh38, chr21:45,504,044, plus strand): 5'-GAGACCCCGCCTGTCTCTCTCTTGCAGGGCAGTTTCCGTTTGACTTTCTTCAGTTGGAGG[C>T]TGAAATGAAGGTGGGTGACCTCCCTGTGGGGTTGGGGGCCCCCAAGGTCCTGTACATCCC-3'
Protein context (NP_001366429.1, residues 896-916): QFPFDFLQLE[Ala906Val]EMKGEKGDRG

ClinVar aggregate classification (germline): Uncertain significance. Review status: criteria provided, multiple submitters, no conflicts (2 of 4 stars). 2 submissions from 2 submitters: Uncertain significance (2). Last evaluated 2025-05-19.

Conditions:
Inborn genetic diseases. Identifiers: MedGen C0950123, MeSH D030342.

Allele frequency attached by ClinVar (database versions not stated): TOPMed below 0.00001; ExAC 0.00001.
gnomAD v4.1: 17 of 1,613,572 alleles (0.0011%); highest among the groups gnomAD compares: Non-Finnish European, 0.0014%; no homozygotes.

Submissions (2):

Ambry Genetics
Classification: Uncertain significance for Inborn genetic diseases. Last evaluated: 2025-05-19. Review status: criteria provided, single submitter. Criteria: Ambry Variant Classification Scheme 2023. Collection method: clinical testing. Allele origin: germline.

Labcorp Genetics (formerly Invitae), Labcorp
Classification: Uncertain significance. Last evaluated: 2021-12-03. Review status: criteria provided, single submitter. Criteria: Invitae Variant Classification Sherloc (09022015). Collection method: clinical testing. Allele origin: germline.
Comment: This sequence change replaces alanine, which is neutral and non-polar, with valine, which is neutral and non-polar, at codon 906 of the COL18A1 protein (p.Ala906Val). This variant is present in population databases (rs752396390, gnomAD 0.0009%). This variant has not been reported in the literature in individuals affected with COL18A1-related conditions. Experimental studies and prediction algorithms are not available or were not evaluated, and the functional significance of this variant is currently unknown. In summary, the available evidence is currently insufficient to determine the role of this variant in disease. Therefore, it has been classified as a Variant of Uncertain Significance.